The following is an entry in ClinVar:

NM_001142800.2(EYS):c.4154_4155del (p.Pro1385fs)

Gene: EYS (EGF-like photoreceptor maintenance factor; minus strand). Cytogenetic location: 6q12.
Variant type: Deletion.
Coding change: c.4154_4155del on transcript NM_001142800.2 (MANE Select); coding-DNA positions 4154 to 4155, 2 bases deleted (CT; older notation c.4154_4155delCT).
Protein change: p.Pro1385fs; shifts the reading frame from proline 1385.
Molecular consequence: frameshift variant.
Genome position (GRCh38, 1-based): chr6:64,591,712-64,591,713, AG deleted on the plus strand (CT on the coding strand, the reverse complement: EYS is on the minus strand). VCF-style (leftmost placement, unchanged base first): chr6-64591711-CAG-C. GRCh37 (hg19) VCF-style: chr6-65301604-CAG-C.
Other names: c.4154_4155del, p.Pro1385fs (NM_001292009.2); c.4154_4155delCT (NM_001142800.1); short protein forms P1385fs.
Identifiers: ClinVar variation 1324362 (VCV001324362.10), dbSNP rs1766416713, ClinGen allele CA1633809525.

ClinVar aggregate classification (germline): Pathogenic/Likely pathogenic. Review status: criteria provided, multiple submitters, no conflicts (2 of 4 stars). 5 submissions from 5 submitters: Pathogenic (1); Likely pathogenic (4). Last evaluated 2025-10-29.

Conditions:
EYS-related disorder. Also called: EYS-related condition.
Retinitis pigmentosa 25 (RP25). Identifiers: Orphanet 791, MedGen C1864446, MONDO:0011272, OMIM 602772.

Allele frequency attached by ClinVar (database versions not stated): gnomAD exomes below 0.00001; TOPMed 0.00001.

Submissions (5):

Labcorp Genetics (formerly Invitae), Labcorp
Classification: Pathogenic. Last evaluated: 2025-10-29. Review status: criteria provided, single submitter. Criteria: Invitae Variant Classification Sherloc (09022015). Collection method: clinical testing. Allele origin: germline.
Comment: This sequence change creates a premature translational stop signal (p.Pro1385Argfs*2) in the EYS gene. It is expected to result in an absent or disrupted protein product. Loss-of-function variants in EYS are known to be pathogenic (PMID: 18836446, 20333770). This variant is not present in population databases (gnomAD no frequency). This variant has not been reported in the literature in individuals affected with EYS-related conditions. ClinVar contains an entry for this variant (Variation ID: 1324362). For these reasons, this variant has been classified as Pathogenic.

Natera, Inc.
Classification: Likely pathogenic for Retinitis pigmentosa type 25. Last evaluated: 2024-04-18. Review status: criteria provided, single submitter. Criteria: Natera Variant Classification Schema (03/2026). Collection method: clinical testing. Allele origin: germline.
Comment: The c.4154_4155delCT variant in EYS is a frameshift variant predicted to shift the reading frame beginning at codon 1385 and leads to a stop codon 2 codons downstream. This variant is expected to result in nonsense mediated decay, truncation, or a dysfunctional protein product. This variant is rare in the general population with a frequency below the threshold expected for the associated phenotype(s). Given the available evidence, this variant is classified as Likely Pathogenic.

Baylor Genetics
Classification: Likely pathogenic for Retinitis pigmentosa 25. Last evaluated: 2024-03-16. Review status: criteria provided, single submitter. Criteria: ACMG Guidelines, 2015. Collection method: clinical testing. Allele origin: unknown.

Blueprint Genetics
Classification: Likely pathogenic for EYS-related disorders. Last evaluated: 2022-02-08. Review status: criteria provided, single submitter. Criteria: ACMG Guidelines, 2015. Collection method: clinical testing. Allele origin: germline. Affected: yes. Observed: 1 variant allele.

Revvity Omics, Revvity
Classification: Likely pathogenic for Retinitis pigmentosa 25. Last evaluated: 2021-06-14. Review status: criteria provided, single submitter. Criteria: ACMG Guidelines, 2015. Collection method: clinical testing. Allele origin: germline.

Literature cited by the submitters: PubMed 18836446 (cited by Labcorp Genetics (formerly Invitae), Labcorp); PubMed 20333770 (cited by Labcorp Genetics (formerly Invitae), Labcorp).